The following is an entry in ClinVar:

ClinVar aggregate classification (germline): Pathogenic/Likely pathogenic. Review status: criteria provided, multiple submitters, no conflicts (2 of 4 stars). 2 submissions from 2 submitters: Pathogenic (1); Likely pathogenic (1). Last evaluated 2024-01-27.

Conditions:
Fanconi anemia complementation group I (FANCI). Also called: FANCI-Related Fanconi Anemia. Identifiers: Orphanet 84, MedGen C1836861, MONDO:0012186, OMIM 609053.
Fanconi anemia (FA). Also called: Fanconi's anemia. Identifiers: Orphanet 84, MedGen C0015625, MeSH D005199, MONDO:0019391.

Allele frequency attached by ClinVar (database versions not stated): gnomAD exomes below 0.00001; ExAC 0.00001; gnomAD 0.00002; TOPMed 0.00003; ESP Exome Variant Server 0.00008.

Submissions (2):

Labcorp Genetics (formerly Invitae), Labcorp
Classification: Pathogenic for Fanconi anemia. Last evaluated: 2024-01-27. Review status: criteria provided, single submitter. Criteria: Invitae Variant Classification Sherloc (09022015). Collection method: clinical testing. Allele origin: germline.
Comment: This sequence change creates a premature translational stop signal (p.Thr1226Asnfs*27) in the FANCI gene. It is expected to result in an absent or disrupted protein product. Loss-of-function variants in FANCI are known to be pathogenic (PMID: 17452773, 17460694). This variant is present in population databases (rs773847168, gnomAD 0.007%). This variant has not been reported in the literature in individuals affected with FANCI-related conditions. ClinVar contains an entry for this variant (Variation ID: 1324384). For these reasons, this variant has been classified as Pathogenic.

Fulgent Genetics
Classification: Likely pathogenic for Fanconi anemia complementation group I. Last evaluated: 2022-02-07. Review status: criteria provided, single submitter. Criteria: ACMG Guidelines, 2015. Collection method: clinical testing. Allele origin: unknown.

Literature cited by the submitters: PubMed 17452773 (cited by Labcorp Genetics (formerly Invitae), Labcorp); PubMed 17460694 (cited by Labcorp Genetics (formerly Invitae), Labcorp).

NM_001113378.2(FANCI):c.3676dup (p.Thr1226fs)

Gene: FANCI (FA complementation group I; plus strand). Cytogenetic location: 15q26.1.
Variant type: Duplication.
Coding change: c.3676dup on transcript NM_001113378.2 (MANE Select); coding-DNA position 3676, one base duplicated (A; older notation c.3676dupA).
Protein change: p.Thr1226fs; shifts the reading frame from threonine 1226.
Molecular consequence: frameshift variant.
Genome position (GRCh38, 1-based): chr15:89,312,928, A duplicated. VCF-style (leftmost placement, unchanged base first): chr15-89312927-T-TA. GRCh37 (hg19) VCF-style: chr15-89856158-T-TA.
Other names: c.3397dup, p.Thr1133fs (NM_001376910.1); c.3676dup, p.Thr1226fs (NM_001376911.1); c.3496dup, p.Thr1166fs (NM_018193.3); short protein forms T1133fs, T1166fs, T1226fs.
Identifiers: ClinVar variation 1324384 (VCV001324384.6), dbSNP rs773847168, ClinGen allele CA7723833.